The following is an entry in ClinVar:

NM_016038.4(SBDS):c.256C>G (p.Gln86Glu)

Gene: SBDS (SBDS ribosome maturation factor; minus strand). Cytogenetic location: 7q11.21.
Variant type: single nucleotide variant.
Coding change: c.256C>G on transcript NM_016038.4 (MANE Select); coding-DNA position 256, C replaced by G.
Protein change: p.Gln86Glu; replaces glutamine 86 with glutamic acid.
Molecular consequence: missense variant.
Genome position (GRCh38, 1-based): chr7:66,994,214, G>C on the plus strand (C>G on the coding strand, the complement: SBDS is on the minus strand). VCF-style: chr7-66994214-G-C. GRCh37 (hg19) VCF-style: chr7-66459201-G-C.
Other names: short protein forms Q86E.
Identifiers: ClinVar variation 4630241 (VCV004630241.1).

ClinVar aggregate classification (germline): Uncertain significance (1 of 4 stars; one submission).

Conditions:
Inborn genetic diseases. Identifiers: MedGen C0950123, MeSH D030342.

Submission:

Ambry Genetics
Classification: Uncertain significance for Inborn genetic diseases. Last evaluated: 2025-11-17. Review status: criteria provided, single submitter. Criteria: Ambry Variant Classification Scheme 2023. Collection method: clinical testing. Allele origin: germline.
Comment: The p.Q86E variant (also known as c.256C>G), located in coding exon 2 of the SBDS gene, results from a C to G substitution at nucleotide position 256. The glutamine at codon 86 is replaced by glutamic acid, an amino acid with highly similar properties. This amino acid position is conserved. In addition, the in silico prediction for this alteration is inconclusive. Based on the available evidence, the clinical significance of this variant remains unclear.